The following is an entry in ClinVar:

ClinVar aggregate classification (germline): Pathogenic (1 of 4 stars; one submission).

Conditions:
LAMA2-related muscular dystrophy (LAMA2-RD). Also called: Laminin alpha 2-related dystrophy. Identifiers: MedGen C5679788, MONDO:0100228.

Submission:

Myriad Genetics, Inc.
Classification: Pathogenic for LAMA2-related muscular dystrophy. Last evaluated: 2024-08-09. Review status: criteria provided, single submitter. Criteria: Myriad Autosomal Dominant, Autosomal Recessive and X-Linked Classification Criteria (2023). Collection method: clinical testing. Allele origin: unknown.
Comment: NM_000426.3(LAMA2):c.8_14dup7(G6Sfs*46) is expected to be pathogenic in the context of muscular dystrophy, LAMA2-related. This variant is predicted to lead to an abnormal or absent protein product due to the creation of a premature termination codon in LAMA2, a gene where loss-of-function variants are known to be pathogenic. Please note: this variant was assessed in the context of healthy population screening.

NM_000426.4(LAMA2):c.8_14dup (p.Gly6fs)

Gene: LAMA2 (laminin subunit alpha 2; plus strand). Cytogenetic location: 6q22.33.
Variant type: Duplication.
Coding change: c.8_14dup on transcript NM_000426.4 (MANE Select); coding-DNA positions 8 to 14, 7 bases duplicated (GAGCCGC; older notation c.8_14dupGAGCCGC).
Protein change: p.Gly6fs; shifts the reading frame from glycine 6.
Molecular consequence: frameshift variant.
Genome position (GRCh38, 1-based): chr6:128,883,253-128,883,259, GAGCCGC duplicated. VCF-style (leftmost placement, unchanged base first): chr6-128883252-G-GGAGCCGC. GRCh37 (hg19) VCF-style: chr6-129204397-G-GGAGCCGC.
Other names: c.8_14dup, p.Gly6fs (NM_001079823.2); short protein forms G6fs.
Identifiers: ClinVar variation 5013432 (VCV005013432.1).